The following is an entry in ClinVar:

NM_003265.3(TLR3):c.2693G>A (p.Gly898Glu)

Gene: TLR3 (toll like receptor 3; plus strand). Cytogenetic location: 4q35.1.
Variant type: single nucleotide variant.
Coding change: c.2693G>A on transcript NM_003265.3 (MANE Select); coding-DNA position 2693, G replaced by A.
Protein change: p.Gly898Glu; replaces glycine 898 with glutamic acid.
Molecular consequence: missense variant.
Genome position (GRCh38, 1-based): chr4:186,084,851, G>A. VCF-style: chr4-186084851-G-A. GRCh37 (hg19) VCF-style: chr4-187006005-G-A.
Other names: short protein forms G898E.
Identifiers: ClinVar variation 565376 (VCV000565376.11), dbSNP rs912144507, ClinGen allele CA112100013.

ClinVar aggregate classification (germline): Uncertain significance (1 of 4 stars; one submission).

Conditions:
Encephalopathy, acute, infection-induced (herpes-specific), susceptibility to, 1. Also called: Herpes simplex encephalitis, susceptibility to, 1. Identifiers: Orphanet 1930, MedGen C2750180, MONDO:0024563, OMIM 610551.

Allele frequency attached by ClinVar (database versions not stated): gnomAD 0.00001; gnomAD exomes 0.00001.
gnomAD v4.1: 11 of 1,613,438 alleles (0.00068%); highest among the groups gnomAD compares: African/African-American, 0.0013%; no homozygotes.

Submission:

Labcorp Genetics (formerly Invitae), Labcorp
Classification: Uncertain significance for Encephalopathy, acute, infection-induced (herpes-specific), susceptibility to, 1. Last evaluated: 2022-03-14. Review status: criteria provided, single submitter. Criteria: Invitae Variant Classification Sherloc (09022015). Collection method: clinical testing. Allele origin: germline.
Comment: This variant has not been reported in the literature in individuals affected with TLR3-related conditions. In summary, the available evidence is currently insufficient to determine the role of this variant in disease. Therefore, it has been classified as a Variant of Uncertain Significance. Algorithms developed to predict the effect of missense changes on protein structure and function are either unavailable or do not agree on the potential impact of this missense change (SIFT: "Tolerated"; PolyPhen-2: "Probably Damaging"; Align-GVGD: "Class C0"). ClinVar contains an entry for this variant (Variation ID: 565376). This variant is present in population databases (no rsID available, gnomAD 0.01%). This sequence change replaces glycine, which is neutral and non-polar, with glutamic acid, which is acidic and polar, at codon 898 of the TLR3 protein (p.Gly898Glu).